The following is an entry in ClinVar:

ClinVar aggregate classification (germline): Uncertain significance (1 of 4 stars; one submission).

Conditions:
Emery-Dreifuss muscular dystrophy 4, autosomal dominant (EDMD4). Also called: EMERY-DREIFUSS MUSCULAR DYSTROPHY 4 WITH VARIABLE FEATURES. Identifiers: Orphanet 261, MedGen C2751807, MONDO:0013071, OMIM 612998.
Autosomal recessive ataxia, Beauce type. Also called: SYNE1 Deficiency; Spinocerebellar ataxia, autosomal recessive 8; ATAXIA, RECESSIVE, OF BEAUCE; SYNE1-Related Autosomal Recessive Cerebellar Ataxia. Identifiers: Orphanet 88644, MedGen C1853116, MONDO:0012549, OMIM 610743.

Allele frequency attached by ClinVar (database versions not stated): gnomAD exomes 0.00001; ExAC 0.00004.
gnomAD v4.1: 15 of 1,614,108 alleles (0.00093%); highest among the groups gnomAD compares: South Asian, 0.016%; no homozygotes.

Submission:

Labcorp Genetics (formerly Invitae), Labcorp
Classification: Uncertain significance for Emery-Dreifuss muscular dystrophy 4, autosomal dominant; Autosomal recessive ataxia, Beauce type. Last evaluated: 2021-12-19. Review status: criteria provided, single submitter. Criteria: Invitae Variant Classification Sherloc (09022015). Collection method: clinical testing. Allele origin: germline.
Comment: Variants that disrupt the consensus splice site are a relatively common cause of aberrant splicing (PMID: 17576681, 9536098). Algorithms developed to predict the effect of sequence changes on RNA splicing suggest that this variant is not likely to affect RNA splicing. In summary, the available evidence is currently insufficient to determine the role of this variant in disease. Therefore, it has been classified as a Variant of Uncertain Significance. This variant has not been reported in the literature in individuals affected with SYNE1-related conditions. This variant is present in population databases (rs747938942, gnomAD 0.02%). This sequence change falls in intron 71 of the SYNE1 gene. It does not directly change the encoded amino acid sequence of the SYNE1 protein. It affects a nucleotide within the consensus splice site.

Literature cited by the submitters: PubMed 17576681; PubMed 9536098.

NM_182961.4(SYNE1):c.11902-3C>T

Gene: SYNE1 (spectrin repeat containing nuclear envelope protein 1; minus strand). Cytogenetic location: 6q25.2.
Variant type: single nucleotide variant.
Coding change: c.11902-3C>T on transcript NM_182961.4 (MANE Select); 3 bases into the intron before coding-DNA position 11902, C replaced by T.
Molecular consequence: intron variant.
Genome position (GRCh38, 1-based): chr6:152,347,238, G>A on the plus strand (C>T on the coding strand, the complement: SYNE1 is on the minus strand). VCF-style: chr6-152347238-G-A. GRCh37 (hg19) VCF-style: chr6-152668373-G-A.
Other names: c.11689-3C>T (NM_033071.5).
Identifiers: ClinVar variation 2048786 (VCV002048786.4), dbSNP rs747938942, ClinGen allele CA4056547.